The following is an entry in ClinVar:

NM_014875.3(KIF14):c.1570C>G (p.His524Asp)

Gene: KIF14 (kinesin family member 14; minus strand). Cytogenetic location: 1q32.1.
Variant type: single nucleotide variant.
Coding change: c.1570C>G on transcript NM_014875.3 (MANE Select); coding-DNA position 1570, C replaced by G.
Protein change: p.His524Asp; replaces histidine 524 with aspartic acid.
Molecular consequence: missense variant.
Genome position (GRCh38, 1-based): chr1:200,606,783, G>C on the plus strand (C>G on the coding strand, the complement: KIF14 is on the minus strand). VCF-style: chr1-200606783-G-C. GRCh37 (hg19) VCF-style: chr1-200575911-G-C.
Other names: c.97C>G, p.His33Asp (NM_001305792.1); short protein forms H33D, H524D.
Identifiers: ClinVar variation 1030439 (VCV001030439.1), dbSNP rs1659904063, ClinGen allele CA344101729.
Genomic context (GRCh38, chr1:200,606,783, plus strand): 5'-CCCTTGCTGAGCCAAATACTTACATTGACAGTGCTTCAACATATGGTCCATAAACAGGAT[G>C]TTCCCTCACTCTCAGCTAGAAGAAGCAAATACATGCATCATTAGGAGTATGACAAATATT-3'
Protein context (NP_055690.1, residues 514-534): QRKQPLRVRE[His524Asp]PVYGPYVEAL

ClinVar aggregate classification (germline): Uncertain significance (1 of 4 stars; one submission).

Conditions:
Microcephaly 20, primary, autosomal recessive. Identifiers: MedGen C4693572, MONDO:0054761, OMIM 617914.

Submission:

Baylor Genetics
Classification: Uncertain significance for Microcephaly 20, primary, autosomal recessive. Last evaluated: 2020-06-22. Review status: criteria provided, single submitter. Criteria: ACMG Guidelines, 2015. Collection method: clinical testing. Allele origin: unknown. Affected: yes.
Comment: This variant was determined to be of uncertain significance according to ACMG Guidelines, 2015 [PMID:25741868].